The following is an entry in ClinVar:

NM_000388.4(CASR):c.319G>A (p.Ala107Thr)

Gene: CASR (calcium sensing receptor; plus strand). Cytogenetic location: 3q21.1.
Variant type: single nucleotide variant.
Coding change: c.319G>A on transcript NM_000388.4 (MANE Select); coding-DNA position 319, G replaced by A.
Protein change: p.Ala107Thr; replaces alanine 107 with threonine.
Molecular consequence: missense variant.
Genome position (GRCh38, 1-based): chr3:122,257,214, G>A. VCF-style: chr3-122257214-G-A. GRCh37 (hg19) VCF-style: chr3-121976061-G-A.
Other names: c.319G>A, p.Ala107Thr (NM_001178065.2); short protein forms A107T.
Identifiers: ClinVar variation 2938084 (VCV002938084.4), dbSNP rs2473214584, ClinGen allele CA354362637.
Genomic context (GRCh38, chr3:122,257,214, plus strand): 5'-CTTCTTCCCAACTTGACGCTGGGATACAGGATATTTGACACTTGCAACACCGTTTCTAAG[G>A]CCTTGGAAGCCACCCTGAGTTTTGTTGCTCAAAACAAAATTGATTCTTTGAACCTTGATG-3'
Protein context (NP_000379.3, residues 97-117): IFDTCNTVSK[Ala107Thr]LEATLSFVAQ

ClinVar aggregate classification (germline): Uncertain significance. Review status: criteria provided, multiple submitters, no conflicts (2 of 4 stars). 2 submissions from 2 submitters: Uncertain significance (2). Last evaluated 2024-06-17.

Conditions:
Familial hypocalciuric hypercalcemia (FHH). Also called: Familial benign hypercalcemia. Identifiers: Orphanet 405, MedGen C1809471, MONDO:0018458.
Autosomal dominant hypocalcemia 1 (HYPOC1). Also called: HYPOCALCEMIA, FAMILIAL. Identifiers: MedGen C3715128, MONDO:0011013, OMIM 601198.
Familial hypocalciuric hypercalcemia 1. Also called: Hypercalcemia, familial benign type 1. Identifiers: Orphanet 405, Orphanet 93372, MedGen C0342637, MONDO:0007791, OMIM 145980.
Neonatal severe primary hyperparathyroidism. Identifiers: Orphanet 417, MedGen C1832615, MONDO:0009397, OMIM 239200.
Epilepsy, idiopathic generalized, susceptibility to, 8. Identifiers: MedGen C2752062, MONDO:0013032, OMIM 612899.

Submissions (2):

Fulgent Genetics
Classification: Uncertain significance for Familial hypocalciuric hypercalcemia 1; Neonatal severe primary hyperparathyroidism; Autosomal dominant hypocalcemia 1; Epilepsy, idiopathic generalized, susceptibility to, 8. Last evaluated: 2024-06-17. Review status: criteria provided, single submitter. Criteria: ACMG Guidelines, 2015. Collection method: clinical testing. Allele origin: germline.

Labcorp Genetics (formerly Invitae), Labcorp
Classification: Uncertain significance for Familial hypocalciuric hypercalcemia; Autosomal dominant hypocalcemia 1. Last evaluated: 2023-06-10. Review status: criteria provided, single submitter. Criteria: Invitae Variant Classification Sherloc (09022015). Collection method: clinical testing. Allele origin: germline.
Comment: This sequence change replaces alanine, which is neutral and non-polar, with threonine, which is neutral and polar, at codon 107 of the CASR protein (p.Ala107Thr). This variant is not present in population databases (gnomAD no frequency). This missense change has been observed in individual(s) with hypocalciuric hypercalcaemia (PMID: 32347971). An algorithm developed to predict the effect of missense changes on protein structure and function (PolyPhen-2) suggests that this variant is likely to be disruptive. In summary, the available evidence is currently insufficient to determine the role of this variant in disease. Therefore, it has been classified as a Variant of Uncertain Significance.

Literature cited by the submitters: PubMed 32347971 (cited by Labcorp Genetics (formerly Invitae), Labcorp).